The following is an entry in ClinVar:

ClinVar aggregate classification (germline): Conflicting classifications of pathogenicity. Review status: criteria provided, conflicting classifications (1 of 4 stars). 2 submissions from 2 submitters: Uncertain significance (1); Likely benign (1). Last evaluated 2025-12-22.

Conditions:
FHOD3-related disorder. Also called: FHOD3-related condition.

gnomAD v4.1: 6 of 1,534,260 alleles (0.00039%); highest among the groups gnomAD compares: South Asian, 0.0012%; no homozygotes.

Submissions (2):

PreventionGenetics, part of Exact Sciences
Classification: Uncertain significance for FHOD3-related condition. Last evaluated: 2025-12-22. Review status: criteria provided, single submitter. Criteria: ACMG Guidelines, 2015. Collection method: clinical testing. Allele origin: germline.
Comment: The FHOD3 c.1286+5C>A variant is predicted to interfere with splicing. To our knowledge, this variant has not been reported in the literature or in a large population database (gnomAD), indicating this variant is rare. At this time, the clinical significance of this variant is uncertain due to the absence of conclusive functional and genetic evidence.

Blueprint Genetics
Classification: Likely benign. Last evaluated: 2023-09-12. Review status: criteria provided, single submitter. Criteria: ACMG Guidelines, 2015. Collection method: clinical testing. Allele origin: germline.

NM_001281740.3(FHOD3):c.1286+5C>A

Gene: FHOD3 (formin homology 2 domain containing 3; plus strand). Cytogenetic location: 18q12.2.
Variant type: single nucleotide variant.
Coding change: c.1286+5C>A on transcript NM_001281740.3 (MANE Select); 5 bases into the intron after coding-DNA position 1286, C replaced by A.
Molecular consequence: intron variant.
Genome position (GRCh38, 1-based): chr18:36,649,410, C>A. VCF-style: chr18-36649410-C-A. GRCh37 (hg19) VCF-style: chr18-34229373-C-A.
Other names: c.1286+5C>A (NM_001281740.2); c.1197-8665C>A (NM_025135.5, NM_001281739.3).
Identifiers: ClinVar variation 4938741 (VCV004938741.2).